The following is an entry in ClinVar:

ClinVar aggregate classification (germline): not provided (0 of 4 stars; one submission).

Conditions:
Familial long QT syndrome (RWS). Also called: Congenital long QT syndrome; Romano-Ward syndrome; VENTRICULAR FIBRILLATION WITH PROLONGED QT INTERVAL. Identifiers: Orphanet 768, MedGen C1141890, MONDO:0019171.

Submission:

Cardiovascular Biomedical Research Unit, Royal Brompton & Harefield NHS Foundation Trust
No classification provided. Condition: Familial long QT syndrome. Review status: no classification provided. Collection method: literature only. Allele origin: germline.
Comment: This variant has been reported as associated with Long QT syndrome in the following publications (PMID:15028050;PMID:15234419). This is a literature report, and does not necessarily reflect the clinical interpretation of the Imperial College / Royal Brompton Cardiovascular Genetics laboratory.

Literature cited by the submitters: PubMed 15028050; PubMed 15234419; PubMed 22581653.

NM_000218.3(KCNQ1):c.941G>C (p.Gly314Ala)

Gene: KCNQ1 (potassium voltage-gated channel subfamily Q member 1; plus strand). Cytogenetic location: 11p15.5.
Variant type: single nucleotide variant.
Coding change: c.941G>C on transcript NM_000218.3 (MANE Select); coding-DNA position 941, G replaced by C.
Protein change: p.Gly314Ala; replaces glycine 314 with alanine.
Molecular consequence: missense variant.
Genome position (GRCh38, 1-based): chr11:2,583,454, G>C. VCF-style: chr11-2583454-G-C. GRCh37 (hg19) VCF-style: chr11-2604684-G-C.
Other names: c.941G>C (LRG_287t1); c.941G>C, p.Gly314Ala (NM_001406836.1); c.671G>C, p.Gly224Ala (NM_001406837.1); c.497G>C, p.Gly166Ala (NM_001406838.1); c.560G>C, p.Gly187Ala (NM_181798.2); short protein forms G314A, G187A, G224A, G166A.
Identifiers: ClinVar variation 67126 (VCV000067126.3), dbSNP rs199472748, ClinGen allele CA008798.